The following is an entry in ClinVar:

ClinVar aggregate classification (germline): Uncertain significance (1 of 4 stars; one submission).

Conditions:
Hereditary cancer-predisposing syndrome. Also called: Neoplastic Syndromes, Hereditary; Tumor predisposition; Hereditary Cancer Syndrome; Hereditary neoplastic syndrome. Identifiers: Orphanet 140162, MedGen C0027672, MeSH D009386, MONDO:0015356.

Submission:

Ambry Genetics
Classification: Uncertain significance for Hereditary cancer-predisposing syndrome. Last evaluated: 2022-08-19. Review status: criteria provided, single submitter. Criteria: Ambry Variant Classification Scheme 2023. Collection method: clinical testing. Allele origin: germline.
Comment: The p.I69L variant (also known as c.205A>C), located in coding exon 4 of the SDHC gene, results from an A to C substitution at nucleotide position 205. The isoleucine at codon 69 is replaced by leucine, an amino acid with highly similar properties. This amino acid position is conserved. In addition, the in silico prediction for this alteration is inconclusive. Since supporting evidence is limited at this time, the clinical significance of this alteration remains unclear.

NM_003001.5(SDHC):c.205A>C (p.Ile69Leu)

Gene: SDHC (succinate dehydrogenase complex subunit C; plus strand). Cytogenetic location: 1q23.3.
Variant type: single nucleotide variant.
Coding change: c.205A>C on transcript NM_003001.5 (MANE Select); coding-DNA position 205, A replaced by C.
Protein change: p.Ile69Leu; replaces isoleucine 69 with leucine.
Molecular consequence: missense variant.
Genome position (GRCh38, 1-based): chr1:161,340,619, A>C. VCF-style: chr1-161340619-A-C. GRCh37 (hg19) VCF-style: chr1-161310409-A-C.
Other names: c.205A>C, p.Ile69Leu (NM_001035511.3); c.103A>C, p.Ile35Leu (NM_001035512.3, NM_001278172.3, NM_001407118.1); c.46A>C, p.Ile16Leu (NM_001035513.3); c.325A>C, p.Ile109Leu (NM_001407115.1); c.148A>C, p.Ile50Leu (NM_001407116.1, NM_001407117.1, NM_001407121.1); c.94A>C, p.Ile32Leu (NM_001407119.1, NM_001407120.1); short protein forms I16L, I35L, I109L, I50L, I32L, I69L.
Identifiers: ClinVar variation 1785180 (VCV001785180.2), dbSNP rs753561812, ClinGen allele CA343365830.